The following is an entry in ClinVar:

NM_001126108.2(SLC12A3):c.961C>T (p.Arg321Trp)

Gene: SLC12A3 (solute carrier family 12 member 3; plus strand). Cytogenetic location: 16q13.
Variant type: single nucleotide variant.
Coding change: c.961C>T on transcript NM_001126108.2 (MANE Select); coding-DNA position 961, C replaced by T.
Protein change: p.Arg321Trp; replaces arginine 321 with tryptophan.
Molecular consequence: missense variant.
Genome position (GRCh38, 1-based): chr16:56,872,459, C>T. VCF-style: chr16-56872459-C-T. GRCh37 (hg19) VCF-style: chr16-56906371-C-T.
Other names: c.961C>T (NM_000339.2); c.961C>T, p.Arg321Trp (NM_000339.3); c.958C>T, p.Arg320Trp (NM_001126107.2); short protein forms R320W, R321W.
Identifiers: ClinVar variation 1067766 (VCV001067766.24), dbSNP rs150046661, ClinGen allele CA8069270.

ClinVar aggregate classification (germline): Pathogenic/Likely pathogenic. Review status: criteria provided, multiple submitters, no conflicts (2 of 4 stars). 11 submissions from 11 submitters: Pathogenic (3); Likely pathogenic (6). 2 of the submissions do not count toward it. Last evaluated 2026-08-27.

Conditions:
SLC12A3-related disorder. Also called: SLC12A3-related condition.
Renal tubulopathies.
Familial hypokalemia-hypomagnesemia (GTLMNS). Also called: POTASSIUM AND MAGNESIUM DEPLETION; gitelman syndrome; HYPOMAGNESEMIA-HYPOKALEMIA, PRIMARY RENOTUBULAR, WITH HYPOCALCIURIA. Identifiers: Orphanet 358, MedGen C0268450, MONDO:0009904, OMIM 263800.

Allele frequency attached by ClinVar (database versions not stated): TOPMed 0.00006; gnomAD 0.00010 and 0.00011; ESP Exome Variant Server 0.00023.
gnomAD v4.1: 96 of 1,612,016 alleles (0.006%); highest among the groups gnomAD compares: Non-Finnish European, 0.007%; no homozygotes.

Submissions (11):

GeneDx
Classification: Likely pathogenic. Last evaluated: 2026-08-27. Review status: criteria provided, single submitter. Criteria: GeneDx Variant Classification Process June 2021. Collection method: clinical testing. Allele origin: germline.
Comment: In silico analysis supports that this missense variant has a deleterious effect on protein structure/function; This variant is associated with the following publications: (PMID: 35599441, 33144682, 26770037, 11168953, 31672324, 23328711, 39210578, 21415153, 40441233)

Genetics Laboratory, Great Ormond Street Hospital NHS Foundation Trust, North Thames Genomic Laboratory Hub
Classification: Likely pathogenic for Renal tubulopathies. Last evaluated: 2026-05-18. Review status: criteria provided, single submitter. Criteria: ACGS Best Practice Guidelines for Variant Classification in Rare Disease 2024 v1.2. Collection method: clinical testing. Allele origin: germline. Affected: yes.
Comment: PM2_moderate, PM3_strong

Natera, Inc.
Classification: Pathogenic for Gitelman syndrome. Last evaluated: 2025-09-05. Review status: criteria provided, single submitter. Criteria: Natera Variant Classification Schema (03/2026). Collection method: clinical testing. Allele origin: germline.
Comment: The c.961C>T variant in SLC12A3 is a missense variant predicted to cause substitution of arginine to tryptophan at amino acid 321. This variant is rare in the general population with a frequency below the threshold expected for the associated phenotype(s). This variant has been observed in one or more individuals affected with the associated recessive disease, as either homozygous or compound heterozygous with a second variant (PMID: 31672324, 23328711, 21415153). Computational prediction algorithms indicate this variant is likely to affect gene or protein function. Given the available evidence, this variant is classified as Pathogenic.

Labcorp Genetics (formerly Invitae), Labcorp
Classification: Likely pathogenic. Last evaluated: 2025-08-23. Review status: criteria provided, single submitter. Criteria: Invitae Variant Classification Sherloc (09022015). Collection method: clinical testing. Allele origin: germline.
Comment: This sequence change replaces arginine, which is basic and polar, with tryptophan, which is neutral and slightly polar, at codon 321 of the SLC12A3 protein (p.Arg321Trp). This variant is present in population databases (rs150046661, gnomAD 0.03%). This missense change has been observed in individuals with Gitelman's syndrome (PMID: 11168953, 23328711, 31672324). ClinVar contains an entry for this variant (Variation ID: 1067766). Invitae Evidence Modeling of protein sequence and biophysical properties (such as structural, functional, and spatial information, amino acid conservation, physicochemical variation, residue mobility, and thermodynamic stability) has been performed for this missense variant. However, the output from this modeling did not meet the statistical confidence thresholds required to predict the impact of this variant on SLC12A3 protein function. In summary, the currently available evidence indicates that the variant is pathogenic, but additional data are needed to prove that conclusively. Therefore, this variant has been classified as Likely Pathogenic.

Variantyx, Inc.
Classification: Likely pathogenic for Familial hypokalemia-hypomagnesemia. Last evaluated: 2025-03-05. Review status: criteria provided, single submitter. Criteria: Variantyx Assertion Criteria 2022. Collection method: clinical testing. Allele origin: germline. Inheritance: Autosomal recessive inheritance. Affected: no.
Comment: This is a nonsynonymous variant in the SLC12A3 gene (OMIM: 600968). Pathogenic variants in this gene have been associated with autosomal recessive Gitelman syndrome. This variant has been reported in the homozygous or compound heterozygous state in several unrelated affected individuals (PMID: 11168953, 2332871, 33144682, 31672324) (PM3_Strong). Computational algorithms produce conflicting evidence regarding the predicted functional impact of this variant (REVEL score: 0.354), but the variant lies within a known hotspot for pathogenic variants or a well-established critical functional domain of the SLC12A3 protein (PM1). This variant has a 0.0070% maximum allele frequency in non-founder control populations (PM2). Based on the current evidence, this variant is classified as likely pathogenic for autosomal recessive Gitelman syndrome.

PreventionGenetics, part of Exact Sciences
Classification: Pathogenic for SLC12A3-related condition. Last evaluated: 2024-10-24. Review status: criteria provided, single submitter. Criteria: ACMG Guidelines, 2015. Collection method: clinical testing. Allele origin: germline.
Comment: The SLC12A3 c.961C>T variant is predicted to result in the amino acid substitution p.Arg321Trp. This variant has been reported in the compound heterozygous state in multiple individuals with Gitelman syndrome (Cruz et al. 2001. PubMed ID: 11168953; Table S2 in Hureaux et al. 2019. PubMed ID: 31672324). At PreventionGentics, we have observed this variant with a second SLC12A3 variant in other individuals with suspected Gitelman syndrome (internal data). This variant is reported in 0.024% of alleles in individuals of European (Finnish) descent in gnomAD. This variant is interpreted as pathogenic.

Blueprint Genetics
Classification: Pathogenic for SLC12A3-related disorders. Last evaluated: 2024-05-20. Review status: criteria provided, single submitter. Criteria: ACMG Guidelines, 2015. Collection method: clinical testing. Allele origin: germline. Affected: yes. Observed: 5 variant alleles.

Fulgent Genetics
Classification: Likely pathogenic for Familial hypokalemia-hypomagnesemia. Last evaluated: 2024-01-02. Review status: criteria provided, single submitter. Criteria: ACMG Guidelines, 2015. Collection method: clinical testing. Allele origin: germline.

Juno Genomics, Hangzhou Juno Genomics, Inc
Classification: Likely pathogenic for Familial hypokalemia-hypomagnesemia. Review status: criteria provided, single submitter. Criteria: ACMG Guidelines, 2015. Collection method: clinical testing. Allele origin: germline.
Comment: Absent from controls (or at extremely low frequency if recessive) in Genome Aggregation Database.;For recessive disorders, detected in trans with a pathogenic variant.;Patient's phenotype or family history is highly specific for a disease with a single genetic etiology.

Genome Diagnostics Laboratory, University Medical Center Utrecht
Classification: Pathogenic. Review status: no assertion criteria provided. Collection method: clinical testing. Allele origin: germline. Affected: yes. Study: VKGL Data-share Consensus. Not counted in ClinVar's aggregate classification.

Joint Genome Diagnostic Labs from Nijmegen and Maastricht, Radboudumc and MUMC+
Classification: Pathogenic. Review status: no assertion criteria provided. Collection method: clinical testing. Allele origin: germline. Affected: yes. Study: VKGL Data-share Consensus. Not counted in ClinVar's aggregate classification.

Literature cited by the submitters: PubMed 31672324 (cited by 3 submitters); PubMed 23328711 (cited by Natera, Inc. and Labcorp Genetics (formerly Invitae), Labcorp); PubMed 21415153 (cited by Natera, Inc.); PubMed 11168953 (cited by Labcorp Genetics (formerly Invitae), Labcorp and Variantyx, Inc.); PubMed 2332871 (cited by Variantyx, Inc.); PubMed 33144682 (cited by Variantyx, Inc.).